The following is an entry in ClinVar:

ClinVar aggregate classification (germline): Likely pathogenic (1 of 4 stars; one submission).

Conditions:
Metaphyseal chondrodysplasia, McKusick type (CHH). Also called: Cartilage-hair hypoplasia; Cartilage-Hair Hypoplasia (CHH). Identifiers: Orphanet 175, MedGen C0220748, MONDO:0009595, OMIM 250250.

Submission:

Women's Health and Genetics/Laboratory Corporation of America, LabCorp
Classification: Likely pathogenic for Metaphyseal chondrodysplasia, McKusick type. Last evaluated: 2025-10-01. Review status: criteria provided, single submitter. Criteria: LabCorp Variant Classification Summary - May 2015. Collection method: clinical testing. Allele origin: germline.
Comment: Variant summary: RMRP n.-24_1dup25 (also known as NC_000009.11: chr9:g.35658015_35658039dup25) is located in the promoter region of the RMRP gene which is located between the TATA box (at position -33 to -25) and the transcription initiation site (at +1). Other insertions or duplications in the promoter region of RMRP have been classified as pathogenic (internally and in ClinVar). The variant was absent in 127922 control chromosomes (gnomAD). To our knowledge, no occurrence of n.-24_1dup25 in individuals affected with RMRP-related conditions and no experimental evidence demonstrating its impact on protein function have been reported. Many other insertions or duplications in the promoter region of RMRP have been reported in affected individuals in the literature (PMIDs: 21956908, 21396580) and have been demonstrated through functional studies to lead to reduced RMRP transcription (PMIDs: 11207361, 16254002). No submitters have cited clinical-significance assessments for this variant to ClinVar. Based on the evidence outlined above, the variant was classified as likely pathogenic.

NC_000009.12:g.35658018_35658042dup

Gene: RMRP (RNA component of mitochondrial RNA processing endoribonuclease; minus strand). Cytogenetic location: 9p13.3.
Variant type: Duplication.
Genome position: GRCh38 VCF-style: chr9-35658017-C-CCACGTCCTCAGCTTCACAGAGTAGT. GRCh37 (hg19) VCF-style: chr9-35658014-C-CCACGTCCTCAGCTTCACAGAGTAGT.
Identifiers: ClinVar variation 4687627 (VCV004687627.1).